The following is an entry in ClinVar:

ClinVar aggregate classification (germline): Uncertain significance (1 of 4 stars; one submission).

Conditions:
Spastic paraplegia. Identifiers: MedGen C0037772, HP:0001258.

Allele frequency attached by ClinVar (database versions not stated): TOPMed below 0.00001; gnomAD exomes below 0.00001.
gnomAD v4.1: 1 of 1,612,532 alleles (0.000062%); highest among the groups gnomAD compares: Non-Finnish European, 0.000085%; no homozygotes.

Submission:

Labcorp Genetics (formerly Invitae), Labcorp
Classification: Uncertain significance for Spastic paraplegia. Last evaluated: 2022-09-24. Review status: criteria provided, single submitter. Criteria: Invitae Variant Classification Sherloc (09022015). Collection method: clinical testing. Allele origin: germline.
Comment: This sequence change replaces alanine, which is neutral and non-polar, with proline, which is neutral and non-polar, at codon 45 of the GJC2 protein (p.Ala45Pro). This variant is not present in population databases (gnomAD no frequency). This variant has not been reported in the literature in individuals affected with GJC2-related conditions. Advanced modeling of protein sequence and biophysical properties (such as structural, functional, and spatial information, amino acid conservation, physicochemical variation, residue mobility, and thermodynamic stability) has been performed at Invitae for this missense variant, however the output from this modeling did not meet the statistical confidence thresholds required to predict the impact of this variant on GJC2 protein function. In summary, the available evidence is currently insufficient to determine the role of this variant in disease. Therefore, it has been classified as a Variant of Uncertain Significance.

NM_020435.4(GJC2):c.133G>C (p.Ala45Pro)

Gene: GJC2 (gap junction protein gamma 2; plus strand). Cytogenetic location: 1q42.13.
Variant type: single nucleotide variant.
Coding change: c.133G>C on transcript NM_020435.4 (MANE Select); coding-DNA position 133, G replaced by C.
Protein change: p.Ala45Pro; replaces alanine 45 with proline.
Molecular consequence: missense variant.
Genome position (GRCh38, 1-based): chr1:228,157,891, G>C. VCF-style: chr1-228157891-G-C. GRCh37 (hg19) VCF-style: chr1-228345592-G-C.
Other names: short protein forms A45P.
Identifiers: ClinVar variation 2074005 (VCV002074005.4), dbSNP rs2034706434, ClinGen allele CA345096964.